The following is an entry in ClinVar:

ClinVar aggregate classification (germline): Likely pathogenic (1 of 4 stars; one submission).

Conditions:
Pyknodysostosis. Also called: Pycnodysostosis. Identifiers: Orphanet 763, MedGen C0238402, MONDO:0009940, OMIM 265800.

Submission:

3billion
Classification: Likely pathogenic for Pyknodysostosis. Last evaluated: 2025-12-04. Review status: criteria provided, single submitter. Criteria: ACMG Guidelines, 2015. Collection method: clinical testing. Allele origin: germline. Affected: yes.
Comment: The variant is not observed in the gnomAD v4.1.0 dataset. Predicted Consequence/Location: Canonical splice site: predicted to alter splicing and result in a loss or disruption of normal protein function. Multiple pathogenic loss-of-function variants are reported downstream of the variant. In silico tools predict the variant to alter splicing and produce an abnormal transcript [SpliceAI: 1.00 (spliceogenicity >=0.2, non-spliceogenicity <0.1)]. Therefore, this variant is classified as Likely pathogenic according to the recommendation of ACMG/AMP guideline.

NM_000396.4(CTSK):c.399+1G>T

Gene: CTSK (cathepsin K; minus strand). Cytogenetic location: 1q21.3.
Variant type: single nucleotide variant.
Coding change: c.399+1G>T on transcript NM_000396.4 (MANE Select); the canonical splice donor site of the intron after coding-DNA position 399, G replaced by T.
Molecular consequence: splice donor variant.
Genome position (GRCh38, 1-based): chr1:150,805,860, C>A on the plus strand (G>T on the coding strand, the complement: CTSK is on the minus strand). VCF-style: chr1-150805860-C-A. GRCh37 (hg19) VCF-style: chr1-150778336-C-A.
Identifiers: ClinVar variation 4854403 (VCV004854403.1).